The following is an entry in ClinVar:

Conditions:
Breast-ovarian cancer, familial, susceptibility to, 1 (BROVCA1). Also called: BRCA1 Hereditary Breast and Ovarian Cancer; OVARIAN CANCER, SUSCEPTIBILITY TO. Identifiers: Orphanet 145, MedGen C2676676, MONDO:0011450, OMIM 604370. Disease mechanism: loss of function.

Submission:

Brotman Baty Institute, University of Washington
No classification provided (evidence only). Condition: Breast-ovarian cancer, familial 1. Review status: no classification provided. Collection method: in vitro. Allele origin: not applicable. Functional consequence: functionally_normal.
ClinVar note: "not provided" was previously submitted as the classification for the variant. However, the classification appeared to be based only on an observation of functional data so it was converted to no classification on 2025-07-30.

NM_007294.4(BRCA1):c.80+4A>C

Gene: BRCA1 (BRCA1 DNA repair associated; minus strand). Cytogenetic location: 17q21.31.
Variant type: single nucleotide variant.
Coding change: c.80+4A>C on transcript NM_007294.4 (MANE Select); 4 bases into the intron after coding-DNA position 80, A replaced by C.
Molecular consequence: intron variant.
Genome position (GRCh38, 1-based): chr17:43,124,013, T>G on the plus strand (A>C on the coding strand, the complement: BRCA1 is on the minus strand). VCF-style: chr17-43124013-T-G. GRCh37 (hg19) VCF-style: chr17-41276030-T-G.
Other names: c.-61-8234A>C (NM_001408458.1); c.-219+1264A>C (NM_001407967.1); c.-170+1264A>C (NM_001407959.1); c.-8+1264A>C (NM_001407931.1, NM_001407747.1); c.-224+1264A>C (NM_001407962.1, NM_001408512.1, NM_001408510.1); c.-109+1264A>C (NM_001407885.1); c.-62+1264A>C (NM_001408470.1, NM_001407848.1, NM_001407839.1 and 6 more transcripts); c.-178+1264A>C (NM_001407746.1); and 23 more.
Identifiers: ClinVar variation 865072 (VCV000865072.3), dbSNP rs80358003, ClinGen allele CA916081112.
Genomic context (GRCh38, chr17:43,124,013, plus strand): 5'-CTGTTCATTTGCATAGGAGATAATCATAGGAATCCCAAATTAATACACTCTTGTGCTGAC[T>G]TACCAGATGGGACACTCTAAGATTTTCTGCATAGCATTAATGACATTTTGTACTTCTTCA-3'